The following is an entry in ClinVar:

NM_001754.5(RUNX1):c.*2320T>G

Gene: RUNX1 (RUNX family transcription factor 1; minus strand). Cytogenetic location: 21q22.12.
Variant type: single nucleotide variant.
Coding change: c.*2320T>G on transcript NM_001754.5 (MANE Select); 2320 bases downstream of the stop codon, T replaced by G.
Molecular consequence: 3 prime UTR variant.
Genome position (GRCh38, 1-based): chr21:34,789,815, A>C on the plus strand (T>G on the coding strand, the complement: RUNX1 is on the minus strand). VCF-style: chr21-34789815-A-C. GRCh37 (hg19) VCF-style: chr21-36162112-A-C.
Other names: c.*2320T>G (NM_001001890.3).
Identifiers: ClinVar variation 339834 (VCV000339834.6), dbSNP rs886057040, ClinGen allele CA10653560.

ClinVar aggregate classification (germline): Uncertain significance. Review status: reviewed by expert panel (3 of 4 stars). 2 submissions from 2 submitters: Uncertain significance (1). 1 of the submissions does not count toward it. Last evaluated 2025-01-15.

Conditions:
Hereditary thrombocytopenia and hematologic cancer predisposition syndrome. Identifiers: Orphanet 71290, MedGen CN281654, MONDO:0011071.
Hereditary thrombocytopenia and hematological cancer predisposition syndrome associated with RUNX1. Also called: PLATELET DISORDER, ASPIRIN-LIKE; RUNX1 Familial Platelet Disorder with Associated Myeloid Malignancies; Familial Platelet Disorder with Propensity to Acute Myelogenous Leukemia; Familial thrombocytopenia with propensity to acute myelogenous leukemia. Identifiers: Orphanet 71290, MedGen C1832388, MeSH C563324, MONDO:0100083, OMIM 601399.

Allele frequency attached by ClinVar (database versions not stated): gnomAD 0.00004 and 0.00003; TOPMed 0.00010; gnomAD exomes 0.00015.
gnomAD v4.1: 16 of 233,202 alleles (0.0069%); highest among the groups gnomAD compares: Admixed American, 0.017%; no homozygotes.

Submissions (2):

ClinGen Myeloid Malignancy Variant Curation Expert Panel
Classification: Uncertain significance for Hereditary thrombocytopenia and hematologic cancer predisposition syndrome. Last evaluated: 2025-01-15. Review status: reviewed by expert panel. Criteria: ClinGen MyeloMalig ACMG Specifications v2. Collection method: curation. Allele origin: germline. Inheritance: Autosomal dominant inheritance.
Comment: NM_001754.5(RUNX1):c.*2320T>G is a 3' UTR variant which does not meet any ACMG/AMP criteria. In summary, the clinical significance of this variant is uncertain. ACMG/AMP criteria applied, as specified by the Myeloid Malignancy Variant Curation Expert Panel for RUNX1: None

Illumina Laboratory Services, Illumina
Classification: Uncertain significance for Hereditary thrombocytopenia and hematological cancer predisposition syndrome associated with RUNX1. Last evaluated: 2018-01-13. Review status: criteria provided, single submitter. Criteria: ICSL Variant Classification Criteria 13 December 2019. Collection method: clinical testing. Allele origin: germline. Not counted in ClinVar's aggregate classification.